The following is an entry in ClinVar:

NM_032043.3(BRIP1):c.3504del (p.Asp1169fs)

Gene: BRIP1 (BRCA1 interacting DNA helicase 1; minus strand). Cytogenetic location: 17q23.2.
Variant type: Deletion.
Coding change: c.3504del on transcript NM_032043.3 (MANE Select); coding-DNA position 3504, one base deleted (A; older notation c.3504delA).
Protein change: p.Asp1169fs; shifts the reading frame from aspartic acid 1169.
Molecular consequence: frameshift variant.
Genome position (GRCh38, 1-based): chr17:61,683,542, T deleted on the plus strand (A on the coding strand, the reverse complement: BRIP1 is on the minus strand); the first of 3 consecutive T bases (chr17:61,683,542-61,683,544); deleting any one gives the same sequence. VCF-style (leftmost placement, unchanged base first): chr17-61683541-CT-C. GRCh37 (hg19) VCF-style: chr17-59760902-CT-C.
Other names: short protein forms D1169fs.
Identifiers: ClinVar variation 2173372 (VCV002173372.4), dbSNP rs2544554739, ClinGen allele CA2580094554.

ClinVar aggregate classification (germline): Uncertain significance (1 of 4 stars; one submission).

Conditions:
Fanconi anemia complementation group J. Also called: BRIP1-Related Fanconi Anemia. Identifiers: Orphanet 84, MedGen C1836860, MONDO:0012187, OMIM 609054.
Familial cancer of breast. Also called: Hereditary breast cancer; hereditary breast carcinoma; BREAST CANCER, FAMILIAL. Identifiers: Orphanet 227535, MedGen C0346153, MONDO:0016419, OMIM 114480. Disease mechanism: loss of function.

Submission:

Labcorp Genetics (formerly Invitae), Labcorp
Classification: Uncertain significance for Familial cancer of breast; Fanconi anemia complementation group J. Last evaluated: 2022-01-06. Review status: criteria provided, single submitter. Criteria: Invitae Variant Classification Sherloc (09022015). Collection method: clinical testing. Allele origin: germline.
Comment: In summary, the available evidence is currently insufficient to determine the role of this variant in disease. Therefore, it has been classified as a Variant of Uncertain Significance. Experimental studies and prediction algorithms are not available or were not evaluated, and the functional significance of this variant is currently unknown. This variant has not been reported in the literature in individuals affected with BRIP1-related conditions. This variant is not present in population databases (gnomAD no frequency). This sequence change creates a premature translational stop signal (p.Asp1169Thrfs*8) in the BRIP1 gene. While this is not anticipated to result in nonsense mediated decay, it is expected to disrupt the last 81 amino acid(s) of the BRIP1 protein.